The following is an entry in ClinVar:

ClinVar aggregate classification (germline): Conflicting classifications of pathogenicity. Review status: criteria provided, conflicting classifications (1 of 4 stars). 4 submissions from 4 submitters: Uncertain significance (3); Likely benign (1). Last evaluated 2025-10-02.

Conditions:
Inborn genetic diseases. Identifiers: MedGen C0950123, MeSH D030342.

Allele frequency attached by ClinVar (database versions not stated): ExAC 0.00002; gnomAD exomes 0.00002; gnomAD 0.00005 and 0.00006; TOPMed 0.00005; ESP Exome Variant Server 0.00008.
gnomAD v4.1: 54 of 1,614,002 alleles (0.0033%); highest among the groups gnomAD compares: Middle Eastern, 0.35%; no homozygotes.

Submissions (4):

Ambry Genetics
Classification: Uncertain significance for Inborn genetic diseases. Last evaluated: 2025-10-02. Review status: criteria provided, single submitter. Criteria: Ambry Variant Classification Scheme 2023. Collection method: clinical testing. Allele origin: germline.

Blueprint Genetics
Classification: Uncertain significance. Last evaluated: 2024-03-13. Review status: criteria provided, single submitter. Criteria: ACMG Guidelines, 2015. Collection method: clinical testing. Allele origin: germline.

Labcorp Genetics (formerly Invitae), Labcorp
Classification: Uncertain significance. Last evaluated: 2023-08-21. Review status: criteria provided, single submitter. Criteria: Invitae Variant Classification Sherloc (09022015). Collection method: clinical testing. Allele origin: germline.
Comment: In summary, the available evidence is currently insufficient to determine the role of this variant in disease. Therefore, it has been classified as a Variant of Uncertain Significance. Advanced modeling of protein sequence and biophysical properties (such as structural, functional, and spatial information, amino acid conservation, physicochemical variation, residue mobility, and thermodynamic stability) performed at Invitae indicates that this missense variant is not expected to disrupt HEPACAM protein function. ClinVar contains an entry for this variant (Variation ID: 380740). This variant has not been reported in the literature in individuals affected with HEPACAM-related conditions. This variant is present in population databases (rs149093986, gnomAD 0.02%). This sequence change replaces valine, which is neutral and non-polar, with isoleucine, which is neutral and non-polar, at codon 235 of the HEPACAM protein (p.Val235Ile).

GeneDx
Classification: Likely benign. Last evaluated: 2019-11-11. Review status: criteria provided, single submitter. Criteria: GeneDx Variant Classification Process June 2021. Collection method: clinical testing. Allele origin: germline. Affected: yes.

NM_152722.5(HEPACAM):c.703G>A (p.Val235Ile)

Gene: HEPACAM (hepatic and glial cell adhesion molecule; minus strand). Cytogenetic location: 11q24.2.
Variant type: single nucleotide variant.
Coding change: c.703G>A on transcript NM_152722.5 (MANE Select); coding-DNA position 703, G replaced by A.
Protein change: p.Val235Ile; replaces valine 235 with isoleucine.
Molecular consequence: missense variant.
Genome position (GRCh38, 1-based): chr11:124,923,735, C>T on the plus strand (G>A on the coding strand, the complement: HEPACAM is on the minus strand). VCF-style: chr11-124923735-C-T. GRCh37 (hg19) VCF-style: chr11-124793631-C-T.
Other names: short protein forms V235I.
Identifiers: ClinVar variation 380740 (VCV000380740.8), dbSNP rs149093986, ClinGen allele CA6345684.